The following is an entry in ClinVar:

NM_007059.4(KPTN):c.999+1G>T

Gene: KPTN (kaptin, actin binding protein; minus strand). Cytogenetic location: 19q13.32.
Variant type: single nucleotide variant.
Coding change: c.999+1G>T on transcript NM_007059.4 (MANE Select); the canonical splice donor site of the intron after coding-DNA position 999, G replaced by T.
Molecular consequence: splice donor variant.
Genome position (GRCh38, 1-based): chr19:47,476,802, C>A on the plus strand (G>T on the coding strand, the complement: KPTN is on the minus strand). VCF-style: chr19-47476802-C-A. GRCh37 (hg19) VCF-style: chr19-47980059-C-A.
Other names: c.831+1G>T (NM_001291296.2).
Identifiers: ClinVar variation 4732239 (VCV004732239.1).

ClinVar aggregate classification (germline): Likely pathogenic (1 of 4 stars; one submission).

Conditions:
Macrocephaly-developmental delay syndrome (MRT41). Also called: INTELLECTUAL DEVELOPMENTAL DISORDER, AUTOSOMAL RECESSIVE 41. Identifiers: Orphanet 397612, MedGen C3810225, MONDO:0014289, OMIM 615637.

Submission:

Labcorp Genetics (formerly Invitae), Labcorp
Classification: Likely pathogenic for Macrocephaly-developmental delay syndrome. Last evaluated: 2026-01-13. Review status: criteria provided, single submitter. Criteria: Invitae Variant Classification Sherloc (09022015). Collection method: clinical testing. Allele origin: germline.
Comment: This sequence change affects a donor splice site in intron 10 of the KPTN gene. It is expected to disrupt RNA splicing. Variants that disrupt the donor or acceptor splice site typically lead to a loss of protein function (PMID: 16199547), and loss-of-function variants in KPTN are known to be pathogenic (PMID: 24239382, 25847626). This variant is not present in population databases (gnomAD no frequency). This variant has not been reported in the literature in individuals affected with KPTN-related conditions. Algorithms developed to predict the effect of sequence changes on RNA splicing suggest that this variant may disrupt the consensus splice site. In summary, the currently available evidence indicates that the variant is pathogenic, but additional data are needed to prove that conclusively. Therefore, this variant has been classified as Likely Pathogenic.

Literature cited by the submitters: PubMed 16199547; PubMed 24239382; PubMed 25847626.